The following is an entry in ClinVar:

NM_001102564.3(IFT43):c.304A>G (p.Ile102Val)

Gene: IFT43 (intraflagellar transport 43; plus strand). Cytogenetic location: 14q24.3.
Variant type: single nucleotide variant.
Coding change: c.304A>G on transcript NM_001102564.3 (MANE Select); coding-DNA position 304, A replaced by G.
Protein change: p.Ile102Val; replaces isoleucine 102 with valine.
Molecular consequence: missense variant. On other transcripts: non-coding transcript variant (2).
Genome position (GRCh38, 1-based): chr14:76,082,303, A>G. VCF-style: chr14-76082303-A-G. GRCh37 (hg19) VCF-style: chr14-76548646-A-G.
Other names: c.319A>G, p.Ile107Val (NM_052873.3); c.319A>G (NM_052873.2); short protein forms I102V, I107V.
Identifiers: ClinVar variation 1025094 (VCV001025094.12), dbSNP rs752528550, ClinGen allele CA7280835.
Genomic context (GRCh38, chr14:76,082,303, plus strand): 5'-GCACAATCCCTATGAGTTCTGCAGACAGTGTTGCCTCTGCCTCTCCTTGCAGATATTCCT[A>G]TCATTCCGGATCTGGAGGAAGTACAGGAAGAAGACTTTGTTTTGCAGGTGGCAGCCCCTC-3'
Protein context (NP_001096034.1, residues 92-112): NGSDYGGDIP[Ile102Val]IPDLEEVQEE

ClinVar aggregate classification (germline): Conflicting classifications of pathogenicity. Review status: criteria provided, conflicting classifications (1 of 4 stars). 2 submissions from 2 submitters: Uncertain significance (1); Likely benign (1). Last evaluated 2024-11-05.

Allele frequency attached by ClinVar (database versions not stated): gnomAD exomes 0.00001; ExAC 0.00002; TOPMed 0.00003.
gnomAD v4.1: 19 of 1,614,042 alleles (0.0012%); highest among the groups gnomAD compares: South Asian, 0.0099%; no homozygotes.

Submissions (2):

Labcorp Genetics (formerly Invitae), Labcorp
Classification: Uncertain significance. Last evaluated: 2024-11-05. Review status: criteria provided, single submitter. Criteria: Invitae Variant Classification Sherloc (09022015). Collection method: clinical testing. Allele origin: germline.
Comment: This sequence change replaces isoleucine, which is neutral and non-polar, with valine, which is neutral and non-polar, at codon 107 of the IFT43 protein (p.Ile107Val). This variant is present in population databases (rs752528550, gnomAD 0.007%). This variant has not been reported in the literature in individuals affected with IFT43-related conditions. ClinVar contains an entry for this variant (Variation ID: 1025094). An algorithm developed to predict the effect of missense changes on protein structure and function outputs the following: PolyPhen-2: "Benign". The valine amino acid residue is found in multiple mammalian species, which suggests that this missense change does not adversely affect protein function. In summary, the available evidence is currently insufficient to determine the role of this variant in disease. Therefore, it has been classified as a Variant of Uncertain Significance.

Ambry Genetics
Classification: Likely benign. Last evaluated: 2023-06-05. Review status: criteria provided, single submitter. Criteria: Ambry Variant Classification Scheme 2023. Collection method: clinical testing. Allele origin: germline.